The following is an entry in ClinVar:

ClinVar aggregate classification (germline): Uncertain significance (1 of 4 stars; one submission).

Allele frequency attached by ClinVar (database versions not stated): gnomAD 0.00001; gnomAD exomes 0.00003 and 0.00004; TOPMed 0.00004; ExAC 0.00007.
gnomAD v4.1: 44 of 1,613,740 alleles (0.0027%); highest among the groups gnomAD compares: Middle Eastern, 0.15%; 1 homozygote.

Submission:

Labcorp Genetics (formerly Invitae), Labcorp
Classification: Uncertain significance. Last evaluated: 2024-01-18. Review status: criteria provided, single submitter. Criteria: Invitae Variant Classification Sherloc (09022015). Collection method: clinical testing. Allele origin: germline.
Comment: The COL18A1 gene has multiple clinically relevant transcripts. This variant occurs in alternate transcript NM_030582.4, and corresponds to NM_130445.3:c.107-12512G>A in the primary transcript. This sequence change replaces arginine, which is basic and polar, with glutamine, which is neutral and polar, at codon 67 of the COL18A1 protein (p.Arg67Gln). This variant is present in population databases (rs747435605, gnomAD 0.02%). This variant has not been reported in the literature in individuals affected with COL18A1-related conditions. ClinVar contains an entry for this variant (Variation ID: 1447718). Experimental studies and prediction algorithms are not available or were not evaluated, and the functional significance of this variant is currently unknown. In summary, the available evidence is currently insufficient to determine the role of this variant in disease. Therefore, it has been classified as a Variant of Uncertain Significance.

NM_001379500.1(COL18A1):c.107-12512G>A

Gene: COL18A1 (collagen type XVIII alpha 1 chain; plus strand). Cytogenetic location: 21q22.3.
Variant type: single nucleotide variant.
Coding change: c.107-12512G>A on transcript NM_001379500.1 (MANE Select); 12512 bases into the intron before coding-DNA position 107, G replaced by A.
Molecular consequence: intron variant. On other transcripts: missense variant (2).
Genome position (GRCh38, 1-based): chr21:45,455,730, G>A. VCF-style: chr21-45455730-G-A. GRCh37 (hg19) VCF-style: chr21-46875644-G-A.
Other names: c.200G>A, p.Arg67Gln (NM_030582.4, NM_130444.3); short protein forms R67Q.
Identifiers: ClinVar variation 1447718 (VCV001447718.4), dbSNP rs747435605, ClinGen allele CA10065409.